The following is an entry in ClinVar:

NM_000393.5(COL5A2):c.638G>C (p.Gly213Ala)

Gene: COL5A2 (collagen type V alpha 2 chain; minus strand). Cytogenetic location: 2q32.2.
Variant type: single nucleotide variant.
Coding change: c.638G>C on transcript NM_000393.5 (MANE Select); coding-DNA position 638, G replaced by C.
Protein change: p.Gly213Ala; replaces glycine 213 with alanine.
Molecular consequence: missense variant.
Genome position (GRCh38, 1-based): chr2:189,088,702, C>G on the plus strand (G>C on the coding strand, the complement: COL5A2 is on the minus strand). VCF-style: chr2-189088702-C-G. GRCh37 (hg19) VCF-style: chr2-189953428-C-G.
Other names: c.638G>C (NM_000393.3); short protein forms G213A.
Identifiers: ClinVar variation 1677532 (VCV001677532.4), dbSNP rs753789459, ClinGen allele CA2023005.

ClinVar aggregate classification (germline): Conflicting classifications of pathogenicity. Review status: criteria provided, conflicting classifications (1 of 4 stars). 3 submissions from 3 submitters: Uncertain significance (2); Likely benign (1). Last evaluated 2024-03-26.

Conditions:
Ehlers-Danlos syndrome, classic type, 1 (EDSCL1). Also called: EDS I; Ehlers-Danlos syndrome, type 1; EHLERS-DANLOS SYNDROME, GRAVIS TYPE; EHLERS-DANLOS SYNDROME, SEVERE CLASSIC TYPE; Ehlers-Danlos Syndrome, Classic Type, COL5A1-Related. Identifiers: MedGen C0268335, MONDO:0019567, OMIM 130000.

Allele frequency attached by ClinVar (database versions not stated): gnomAD exomes below 0.00001; ExAC 0.00001.
gnomAD v4.1: 1 of 1,613,304 alleles (0.000062%); highest among the groups gnomAD compares: Non-Finnish European, 0.000085%; no homozygotes.

Submissions (3):

Labcorp Genetics (formerly Invitae), Labcorp
Classification: Likely benign for Ehlers-Danlos syndrome, classic type, 1. Last evaluated: 2024-03-26. Review status: criteria provided, single submitter. Criteria: Invitae Variant Classification Sherloc (09022015). Collection method: clinical testing. Allele origin: germline.

GeneDx
Classification: Uncertain significance. Last evaluated: 2023-11-06. Review status: criteria provided, single submitter. Criteria: GeneDx Variant Classification Process June 2021. Collection method: clinical testing. Allele origin: germline. Affected: yes.
Comment: Not observed at significant frequency in large population cohorts (gnomAD); In silico analysis supports that this missense variant has a deleterious effect on protein structure/function; Has not been previously published as pathogenic or benign to our knowledge; This variant is associated with the following publications: (PMID: 22696272)

AiLife Diagnostics
Classification: Uncertain significance. Last evaluated: 2021-09-29. Review status: criteria provided, single submitter. Criteria: ACMG Guidelines, 2015. Collection method: clinical testing. Allele origin: germline. Affected: yes. Observed: 1 variant allele.